The following is an entry in ClinVar:

ClinVar aggregate classification (germline): Uncertain significance (1 of 4 stars; one submission).

Conditions:
Basal ganglia calcification, idiopathic, 4 (PFBC4). Also called: Familial Idiopathic Basal Ganglia Calcification 4; PRIMARY FAMILIAL BRAIN CALCIFICATION 4, AUTOSOMAL DOMINANT. Identifiers: Orphanet 1980, MedGen C3554321, MONDO:0014004, OMIM 615007.
Acroosteolysis-keloid-like lesions-premature aging syndrome. Also called: Premature aging syndrome, Penttinen type; Prematurely aged appearance, delayed bone maturation, acro-osteolysis, and brachydactyly; Progeroid syndrome, Penttinen type. Identifiers: Orphanet 363665, MedGen C1866182, MONDO:0011150, OMIM 601812.
Skeletal overgrowth-craniofacial dysmorphism-hyperelastic skin-white matter lesions syndrome. Also called: SKELETAL OVERGROWTH WITH FACIAL DYSMORPHISM, HYPERELASTIC SKIN, WHITE MATTER LESIONS, AND NEUROLOGIC DETERIORATION; Kosaki overgrowth syndrome. Identifiers: Orphanet 477831, MedGen C4225270, MONDO:0014704, OMIM 616592.
Infantile myofibromatosis (IMF). Also called: Congenital generalized fibromatosis. Identifiers: Orphanet 2591, MedGen C0432284, MONDO:0016824.

Submission:

Labcorp Genetics (formerly Invitae), Labcorp
Classification: Uncertain significance for Basal ganglia calcification, idiopathic, 4; Skeletal overgrowth-craniofacial dysmorphism-hyperelastic skin-white matter lesions syndrome; Infantile myofibromatosis; Acroosteolysis-keloid-like lesions-premature aging syndrome. Last evaluated: 2024-01-24. Review status: criteria provided, single submitter. Criteria: Invitae Variant Classification Sherloc (09022015). Collection method: clinical testing. Allele origin: germline.
Comment: This sequence change replaces histidine, which is basic and polar, with tyrosine, which is neutral and polar, at codon 331 of the PDGFRB protein (p.His331Tyr). This variant is not present in population databases (gnomAD no frequency). This variant has not been reported in the literature in individuals affected with PDGFRB-related conditions. ClinVar contains an entry for this variant (Variation ID: 1713890). Advanced modeling of protein sequence and biophysical properties (such as structural, functional, and spatial information, amino acid conservation, physicochemical variation, residue mobility, and thermodynamic stability) performed at Invitae indicates that this missense variant is not expected to disrupt PDGFRB protein function with a negative predictive value of 80%. In summary, the available evidence is currently insufficient to determine the role of this variant in disease. Therefore, it has been classified as a Variant of Uncertain Significance.

NM_002609.4(PDGFRB):c.991C>T (p.His331Tyr)

Gene: PDGFRB (platelet derived growth factor receptor beta; minus strand). Cytogenetic location: 5q32.
Variant type: single nucleotide variant.
Coding change: c.991C>T on transcript NM_002609.4 (MANE Select); coding-DNA position 991, C replaced by T.
Protein change: p.His331Tyr; replaces histidine 331 with tyrosine.
Molecular consequence: missense variant.
Genome position (GRCh38, 1-based): chr5:150,132,886, G>A on the plus strand (C>T on the coding strand, the complement: PDGFRB is on the minus strand). VCF-style: chr5-150132886-G-A. GRCh37 (hg19) VCF-style: chr5-149512449-G-A.
Other names: c.799C>T, p.His267Tyr (NM_001355016.2); c.508C>T, p.His170Tyr (NM_001355017.2); short protein forms H170Y, H267Y, H331Y.
Identifiers: ClinVar variation 1713890 (VCV001713890.6), dbSNP rs2481233907, ClinGen allele CA361720358.